The following is an entry in ClinVar:

NM_016363.5(GP6):c.*523G>C

Gene: GP6 (glycoprotein VI platelet; minus strand). Cytogenetic location: 19q13.42.
Variant type: single nucleotide variant.
Coding change: c.*523G>C on transcript NM_016363.5 (MANE Select); 523 bases downstream of the stop codon, G replaced by C.
Molecular consequence: 3 prime UTR variant. On other transcripts: missense variant (1).
Genome position (GRCh38, 1-based): chr19:55,014,398, C>G on the plus strand (G>C on the coding strand, the complement: GP6 is on the minus strand). VCF-style: chr19-55014398-C-G. GRCh37 (hg19) VCF-style: chr19-55525766-C-G.
Other names: c.1547G>C, p.Gly516Ala (NM_001083899.2); c.*523G>C (NM_001256017.2); short protein forms G516A.
Identifiers: ClinVar variation 3854807 (VCV003854807.2).

ClinVar aggregate classification (germline): Uncertain significance. Review status: criteria provided, multiple submitters, no conflicts (2 of 4 stars). 2 submissions from 2 submitters: Uncertain significance (2). Last evaluated 2026-04-29.

Conditions:
Inborn genetic diseases. Identifiers: MedGen C0950123, MeSH D030342.

gnomAD v4.1: 1 of 1,613,652 alleles (0.000062%); no homozygotes.

Submissions (2):

Women's Health and Genetics/Laboratory Corporation of America, LabCorp
Classification: Uncertain significance. Last evaluated: 2026-04-29. Review status: criteria provided, single submitter. Criteria: LabCorp Variant Classification Summary - May 2015. Collection method: clinical testing. Allele origin: germline.
Comment: Variant summary: GP6 c.1547G>C (p.Gly516Ala) results in a non-conservative amino acid change in the encoded protein sequence. Algorithms developed to predict the effect of missense changes on protein structure and function are either unavailable or do not agree on the potential impact of this missense change. The frequency data for this variant in gnomAD is considered unreliable, as metrics indicate poor data quality at this position. To our knowledge, no occurrence of c.1547G>C in individuals affected with GP6-related conditions and no experimental evidence demonstrating its impact on protein function have been reported. ClinVar contains an entry for this variant (Variation ID: 3854807). Based on the evidence outlined above, the variant was classified as uncertain significance.

Ambry Genetics
Classification: Uncertain significance for Inborn genetic diseases. Last evaluated: 2025-01-16. Review status: criteria provided, single submitter. Criteria: Ambry Variant Classification Scheme 2023. Collection method: clinical testing. Allele origin: germline.